The following is an entry in ClinVar:

NM_003907.3(EIF2B5):c.1745+5G>A

Gene: EIF2B5 (eukaryotic translation initiation factor 2B subunit epsilon; plus strand). Cytogenetic location: 3q27.1.
Variant type: single nucleotide variant.
Coding change: c.1745+5G>A on transcript NM_003907.3 (MANE Select); 5 bases into the intron after coding-DNA position 1745, G replaced by A.
Molecular consequence: intron variant.
Genome position (GRCh38, 1-based): chr3:184,143,147, G>A. VCF-style: chr3-184143147-G-A. GRCh37 (hg19) VCF-style: chr3-183860935-G-A.
Identifiers: ClinVar variation 4536125 (VCV004536125.1).

ClinVar aggregate classification (germline): Uncertain significance (1 of 4 stars; one submission).

gnomAD v4.1: 1 of 1,612,596 alleles (0.000062%); highest among the groups gnomAD compares: African/African-American, 0.0013%; no homozygotes.

Submission:

Women's Health and Genetics/Laboratory Corporation of America, LabCorp
Classification: Uncertain significance. Last evaluated: 2025-09-18. Review status: criteria provided, single submitter. Criteria: LabCorp Variant Classification Summary - May 2015. Collection method: clinical testing. Allele origin: germline.
Comment: Variant summary: EIF2B5 c.1745+5G>A alters a conserved nucleotide located close to a canonical splice site and therefore could affect mRNA splicing, leading to a significantly altered protein sequence. Several computational tools predict a significant impact on normal splicing: Two predict the variant weakens a 5' donor site. Two predict the variant weakens a 5' donor site. However, these predictions have yet to be confirmed by functional studies. The variant allele was found at a frequency of 4e-06 in 248160 control chromosomes. The available data on variant occurrences in the general population are insufficient to allow any conclusion about variant significance. c.1745+5G>A has been observed in individual(s) affected with Leukoencephalopathy With Vanishing White Matter (Slynko_2021). These data do not allow any conclusion about variant significance. To our knowledge, no experimental evidence demonstrating an impact on protein function has been reported. The following publication have been ascertained in the context of this evaluation (PMID: 33432707). No submitters have cited clinical-significance assessments for this variant to ClinVar. Based on the evidence outlined above, the variant was classified as uncertain significance.

Literature cited by the submitters: PubMed 33432707.